The following is an entry in ClinVar:

NM_004104.5(FASN):c.2795C>T (p.Ser932Phe)

Gene: FASN (fatty acid synthase; minus strand). Cytogenetic location: 17q25.3.
Variant type: single nucleotide variant.
Coding change: c.2795C>T on transcript NM_004104.5 (MANE Select); coding-DNA position 2795, C replaced by T.
Protein change: p.Ser932Phe; replaces serine 932 with phenylalanine.
Molecular consequence: missense variant.
Genome position (GRCh38, 1-based): chr17:82,088,025, G>A on the plus strand (C>T on the coding strand, the complement: FASN is on the minus strand). VCF-style: chr17-82088025-G-A. GRCh37 (hg19) VCF-style: chr17-80045901-G-A.
Other names: short protein forms S932F.
Identifiers: ClinVar variation 1060456 (VCV001060456.9), dbSNP rs146356200, ClinGen allele CA295133666.

ClinVar aggregate classification (germline): Uncertain significance (1 of 4 stars; one submission).

Conditions:
Epileptic encephalopathy. Identifiers: MedGen C0543888, HP:0200134.

Allele frequency attached by ClinVar (database versions not stated): gnomAD exomes below 0.00001 and 0.00001; gnomAD 0.00001; TOPMed 0.00001; ESP Exome Variant Server 0.00008.
gnomAD v4.1: 8 of 1,612,650 alleles (0.0005%); highest among the groups gnomAD compares: East Asian, 0.0022%; no homozygotes.

Submission:

Labcorp Genetics (formerly Invitae), Labcorp
Classification: Uncertain significance for Epileptic encephalopathy. Last evaluated: 2022-02-05. Review status: criteria provided, single submitter. Criteria: Invitae Variant Classification Sherloc (09022015). Collection method: clinical testing. Allele origin: germline.
Comment: This sequence change replaces serine, which is neutral and polar, with phenylalanine, which is neutral and non-polar, at codon 932 of the FASN protein (p.Ser932Phe). This variant is present in population databases (rs146356200, gnomAD 0.005%). This variant has not been reported in the literature in individuals affected with FASN-related conditions. ClinVar contains an entry for this variant (Variation ID: 1060456). Algorithms developed to predict the effect of missense changes on protein structure and function are either unavailable or do not agree on the potential impact of this missense change (SIFT: "Deleterious"; PolyPhen-2: "Benign"; Align-GVGD: "Class C0"). In summary, the available evidence is currently insufficient to determine the role of this variant in disease. Therefore, it has been classified as a Variant of Uncertain Significance.